The following is an entry in ClinVar:

NM_001999.4(FBN2):c.3993A>G (p.Leu1331=)

Gene: FBN2 (fibrillin 2; minus strand). Cytogenetic location: 5q23.3.
Variant type: single nucleotide variant.
Coding change: c.3993A>G on transcript NM_001999.4 (MANE Select); coding-DNA position 3993, A replaced by G.
Protein change: p.Leu1331=; no amino-acid change (leucine 1331 retained).
Molecular consequence: synonymous variant.
Genome position (GRCh38, 1-based): chr5:128,334,825, T>C on the plus strand (A>G on the coding strand, the complement: FBN2 is on the minus strand). VCF-style: chr5-128334825-T-C. GRCh37 (hg19) VCF-style: chr5-127670517-T-C.
Other names: c.3993A>G (NM_001999.3).
Identifiers: ClinVar variation 1161321 (VCV001161321.11), dbSNP rs141505866, ClinGen allele CA3395075.

ClinVar aggregate classification (germline): Likely benign. Review status: criteria provided, multiple submitters, no conflicts (2 of 4 stars). 3 submissions from 3 submitters: Likely benign (2). 1 of the submissions does not count toward it. Last evaluated 2025-07-06.

Conditions:
Familial thoracic aortic aneurysm and aortic dissection (TAAD). Also called: Thoracic aortic aneurysms and dissections. Identifiers: Orphanet 91387, MedGen C4707243, MONDO:0019625.
FBN2-related disorder. Also called: FBN2-related condition.
Congenital contractural arachnodactyly (CCA). Also called: BEALS SYNDROME; Beals-Hecht syndrome; Arthrogryposis, distal, type 9. Identifiers: Orphanet 115, MedGen C0220668, MONDO:0007363, OMIM 121050.

Allele frequency attached by ClinVar (database versions not stated): gnomAD exomes 0.00001 and 0.00004; ExAC 0.00002; gnomAD 0.00002 and 0.00003; TOPMed 0.00003; ESP Exome Variant Server 0.00008.
gnomAD v4.1: 59 of 1,612,544 alleles (0.0037%); highest among the groups gnomAD compares: Non-Finnish European, 0.0048%; no homozygotes.

Submissions (3):

Labcorp Genetics (formerly Invitae), Labcorp
Classification: Likely benign for Congenital contractural arachnodactyly. Last evaluated: 2025-07-06. Review status: criteria provided, single submitter. Criteria: Invitae Variant Classification Sherloc (09022015). Collection method: clinical testing. Allele origin: germline.

Ambry Genetics
Classification: Likely benign for Familial thoracic aortic aneurysm and aortic dissection. Last evaluated: 2022-12-01. Review status: criteria provided, single submitter. Criteria: Ambry Variant Classification Scheme 2023. Collection method: clinical testing. Allele origin: germline.

PreventionGenetics, part of Exact Sciences
Classification: Likely benign for FBN2-related condition. Last evaluated: 2024-07-26. Review status: no assertion criteria provided. Collection method: clinical testing. Allele origin: germline. Not counted in ClinVar's aggregate classification.
Comment: This variant is classified as likely benign based on ACMG/AMP sequence variant interpretation guidelines (Richards et al. 2015 PMID: 25741868, with internal and published modifications).